The following is an entry in ClinVar:

ClinVar aggregate classification (germline): Pathogenic/Likely pathogenic. Review status: criteria provided, multiple submitters, no conflicts (2 of 4 stars). 3 submissions from 3 submitters: Pathogenic (1); Likely pathogenic (2). Last evaluated 2025-09-24.

Conditions:
Methylmalonic aciduria due to methylmalonyl-CoA mutase deficiency (MAMM). Also called: Methylmalonic aciduria, mut type. Identifiers: Orphanet 27, MedGen C1855114, MONDO:0009612, OMIM 251000.

Allele frequency attached by ClinVar (database versions not stated): TOPMed below 0.00001; gnomAD 0.00001.
gnomAD v4.1: 1 of 1,613,614 alleles (0.000062%); highest among the groups gnomAD compares: East Asian, 0.0022%; no homozygotes.

Submissions (3):

Genesolutions, Medical Genetics Institutes, Ho Chi Minh City, Vietnam
Classification: Likely pathogenic for Methylmalonic aciduria due to methylmalonyl-CoA mutase deficiency. Last evaluated: 2025-09-24. Review status: criteria provided, single submitter. Criteria: ACMG Guidelines, 2015. Collection method: clinical testing. Allele origin: germline. Affected: yes.

Labcorp Genetics (formerly Invitae), Labcorp
Classification: Pathogenic. Last evaluated: 2024-01-17. Review status: criteria provided, single submitter. Criteria: Invitae Variant Classification Sherloc (09022015). Collection method: clinical testing. Allele origin: germline.
Comment: This sequence change replaces proline, which is neutral and non-polar, with leucine, which is neutral and non-polar, at codon 194 of the MUT protein (p.Pro194Leu). This variant is not present in population databases (gnomAD no frequency). This missense change has been observed in individual(s) with methylmalonic aciduria (PMID: 27060300, 27233228, 30728829). ClinVar contains an entry for this variant (Variation ID: 1073632). Advanced modeling of protein sequence and biophysical properties (such as structural, functional, and spatial information, amino acid conservation, physicochemical variation, residue mobility, and thermodynamic stability) performed at Invitae indicates that this missense variant is expected to disrupt MUT protein function with a positive predictive value of 95%. For these reasons, this variant has been classified as Pathogenic.

Fulgent Genetics
Classification: Likely pathogenic for Methylmalonic aciduria due to methylmalonyl-CoA mutase deficiency. Last evaluated: 2022-04-06. Review status: criteria provided, single submitter. Criteria: ACMG Guidelines, 2015. Collection method: clinical testing. Allele origin: unknown.

Literature cited by the submitters: PubMed 27060300 (cited by Labcorp Genetics (formerly Invitae), Labcorp); PubMed 27233228 (cited by Labcorp Genetics (formerly Invitae), Labcorp); PubMed 30728829 (cited by Labcorp Genetics (formerly Invitae), Labcorp).

NM_000255.4(MMUT):c.581C>T (p.Pro194Leu)

Gene: MMUT (methylmalonyl-CoA mutase; minus strand). Cytogenetic location: 6p12.3.
Variant type: single nucleotide variant.
Coding change: c.581C>T on transcript NM_000255.4 (MANE Select); coding-DNA position 581, C replaced by T.
Protein change: p.Pro194Leu; replaces proline 194 with leucine.
Molecular consequence: missense variant.
Genome position (GRCh38, 1-based): chr6:49,457,863, G>A on the plus strand (C>T on the coding strand, the complement: MMUT is on the minus strand). VCF-style: chr6-49457863-G-A. GRCh37 (hg19) VCF-style: chr6-49425576-G-A.
Other names: short protein forms P194L.
Identifiers: ClinVar variation 1073632 (VCV001073632.8), dbSNP rs1254433398, ClinGen allele CA364404418.
Genomic context (GRCh38, chr6:49,457,863, plus strand): 5'-GTAAGCTTCTCTTTAGGTACACCTTGTTCTTCTCCAGTTACTATAAAATTTGCAAGAACT[G>A]GAATAACTGCTCCATTCATAGTCATGGAAACTGACATTTTTTCTAAAGGAATTCCATCAA-3'
Protein context (NP_000246.2, residues 184-204): VSMTMNGAVI[Pro194Leu]VLANFIVTGE